The following is an entry in ClinVar:

ClinVar aggregate classification (germline): Uncertain significance (1 of 4 stars; one submission).

Submission:

Labcorp Genetics (formerly Invitae), Labcorp
Classification: Uncertain significance. Last evaluated: 2023-09-03. Review status: criteria provided, single submitter. Criteria: Invitae Variant Classification Sherloc (09022015). Collection method: clinical testing. Allele origin: germline.
Comment: In summary, the available evidence is currently insufficient to determine the role of this variant in disease. Therefore, it has been classified as a Variant of Uncertain Significance. Advanced modeling of protein sequence and biophysical properties (such as structural, functional, and spatial information, amino acid conservation, physicochemical variation, residue mobility, and thermodynamic stability) has been performed at Invitae for this missense variant, however the output from this modeling did not meet the statistical confidence thresholds required to predict the impact of this variant on LOX protein function. This variant has not been reported in the literature in individuals affected with LOX-related conditions. This variant is not present in population databases (gnomAD no frequency). This sequence change replaces leucine, which is neutral and non-polar, with proline, which is neutral and non-polar, at codon 9 of the LOX protein (p.Leu9Pro).

NM_002317.7(LOX):c.26T>C (p.Leu9Pro)

Genes: LOX (lysyl oxidase; minus strand), SRFBP1 (serum response factor binding protein 1; plus strand). Cytogenetic location: 5q23.1.
Variant type: single nucleotide variant.
Coding change: c.26T>C on transcript NM_002317.7 (MANE Select); coding-DNA position 26, T replaced by C.
Protein change: p.Leu9Pro; replaces leucine 9 with proline.
Molecular consequence: missense variant.
Genome position (GRCh38, 1-based): chr5:122,077,960, A>G on the plus strand (T>C on the coding strand, the complement: LOX is on the minus strand). VCF-style: chr5-122077960-A-G. GRCh37 (hg19) VCF-style: chr5-121413655-A-G.
Other names: short protein forms L9P.
Identifiers: ClinVar variation 2757400 (VCV002757400.3), dbSNP rs2532918571, ClinGen allele CA360878895.